The following is an entry in ClinVar:

NM_001430.5(EPAS1):c.1915T>G (p.Trp639Gly)

Gene: EPAS1 (endothelial PAS domain protein 1; plus strand). Cytogenetic location: 2p21.
Variant type: single nucleotide variant.
Coding change: c.1915T>G on transcript NM_001430.5 (MANE Select); coding-DNA position 1915, T replaced by G.
Protein change: p.Trp639Gly; replaces tryptophan 639 with glycine.
Molecular consequence: missense variant.
Genome position (GRCh38, 1-based): chr2:46,380,587, T>G. VCF-style: chr2-46380587-T-G. GRCh37 (hg19) VCF-style: chr2-46607726-T-G.
Other names: short protein forms W639G.
Identifiers: ClinVar variation 1782580 (VCV001782580.2), dbSNP rs2546477624, ClinGen allele CA346705142.

ClinVar aggregate classification (germline): Uncertain significance (1 of 4 stars; one submission).

Conditions:
Inborn genetic diseases. Identifiers: MedGen C0950123, MeSH D030342.

Submission:

Ambry Genetics
Classification: Uncertain significance for Inborn genetic diseases. Last evaluated: 2021-12-10. Review status: criteria provided, single submitter. Criteria: Ambry Variant Classification Scheme 2023. Collection method: clinical testing. Allele origin: germline.
Comment: The p.W639G variant (also known as c.1915T>G), located in coding exon 12 of the EPAS1 gene, results from a T to G substitution at nucleotide position 1915. The tryptophan at codon 639 is replaced by glycine, an amino acid with highly dissimilar properties. This amino acid position is conserved. In addition, this alteration is predicted to be deleterious by in silico analysis. Since supporting evidence is limited at this time, the clinical significance of this alteration remains unclear.